The following is an entry in ClinVar:

NM_001009944.3(PKD1):c.4550A>G (p.Tyr1517Cys)

Gene: PKD1 (polycystin 1, transient receptor potential channel interacting; minus strand). Cytogenetic location: 16p13.3.
Variant type: single nucleotide variant.
Coding change: c.4550A>G on transcript NM_001009944.3 (MANE Select); coding-DNA position 4550, A replaced by G.
Protein change: p.Tyr1517Cys; replaces tyrosine 1517 with cysteine.
Molecular consequence: missense variant.
Genome position (GRCh38, 1-based): chr16:2,110,617, T>C on the plus strand (A>G on the coding strand, the complement: PKD1 is on the minus strand). VCF-style: chr16-2110617-T-C. GRCh37 (hg19) VCF-style: chr16-2160618-T-C.
Other names: c.4550A>G, p.Tyr1517Cys (NM_000296.4); short protein forms Y1517C.
Identifiers: ClinVar variation 3579509 (VCV003579509.2).

ClinVar aggregate classification (germline): Conflicting classifications of pathogenicity. Review status: criteria provided, conflicting classifications (1 of 4 stars). 2 submissions from 2 submitters: Likely pathogenic (1); Uncertain significance (1). Last evaluated 2025-03-21.

Conditions:
Polycystic kidney disease, adult type (PKD1). Also called: Polycystic Kidney Disease 1, Autosomal Dominant; Polycystic kidney disease 1; Polycystic kidney disease 1, severe; POLYCYSTIC KIDNEY DISEASE 1 WITH OR WITHOUT POLYCYSTIC LIVER DISEASE; POLYCYSTIC KIDNEY DISEASE, ADULT, TYPE I; Polycystic Kidney, Autosomal Dominant. Identifiers: MedGen C3149841, MONDO:0008263, OMIM 173900.

Submissions (2):

Women's Health and Genetics/Laboratory Corporation of America, LabCorp
Classification: Uncertain significance. Last evaluated: 2025-03-21. Review status: criteria provided, single submitter. Criteria: LabCorp Variant Classification Summary - May 2015. Collection method: clinical testing. Allele origin: germline.
Comment: Variant summary: PKD1 c.4550A>G (p.Tyr1517Cys) results in a non-conservative amino acid change in the encoded protein sequence. Five of five in-silico tools predict a damaging effect of the variant on protein function. The variant was absent in 248178 control chromosomes. c.4550A>G has been reported in the literature in at least two individuals affected with polycystic kidney disease (e.g., Audrezet_2012). These data indicate that the variant may be associated with disease. To our knowledge, no experimental evidence demonstrating an impact on protein function has been reported. The following publication has been ascertained in the context of this evaluation (PMID: 22508176). ClinVar contains an entry for this variant (Variation ID: 3579509). Based on the evidence outlined above, the variant was classified as VUS-possibly pathogenic.

Fulgent Genetics
Classification: Likely pathogenic for Polycystic kidney disease, adult type. Last evaluated: 2024-04-13. Review status: criteria provided, single submitter. Criteria: ACMG Guidelines, 2015. Collection method: clinical testing. Allele origin: germline.

Literature cited by the submitters: PubMed 22508176 (cited by Women's Health and Genetics/Laboratory Corporation of America, LabCorp).